The following is an entry in ClinVar:

NM_022124.6(CDH23):c.9628A>G (p.Ile3210Val)

Gene: CDH23 (cadherin related 23; plus strand). Cytogenetic location: 10q22.1.
Variant type: single nucleotide variant.
Coding change: c.9628A>G on transcript NM_022124.6 (MANE Select); coding-DNA position 9628, A replaced by G.
Protein change: p.Ile3210Val; replaces isoleucine 3210 with valine.
Molecular consequence: missense variant.
Genome position (GRCh38, 1-based): chr10:71,812,885, A>G. VCF-style: chr10-71812885-A-G. GRCh37 (hg19) VCF-style: chr10-73572642-A-G.
Other names: c.2908A>G, p.Ile970Val (NM_001171933.1, NM_001171934.1); c.319A>G, p.Ile107Val (NM_001171935.1, NM_001171936.1); short protein forms I107V, I3210V, I970V.
Identifiers: ClinVar variation 1426968 (VCV001426968.4), dbSNP rs772004202, ClinGen allele CA5547136.

ClinVar aggregate classification (germline): Uncertain significance (1 of 4 stars; one submission).

Allele frequency attached by ClinVar (database versions not stated): gnomAD exomes below 0.00001; ExAC 0.00001.
gnomAD v4.1: 4 of 1,613,480 alleles (0.00025%); highest among the groups gnomAD compares: Non-Finnish European, 0.00025%; no homozygotes.

Submission:

Labcorp Genetics (formerly Invitae), Labcorp
Classification: Uncertain significance. Last evaluated: 2025-01-15. Review status: criteria provided, single submitter. Criteria: Invitae Variant Classification Sherloc (09022015). Collection method: clinical testing. Allele origin: germline.
Comment: This sequence change replaces isoleucine, which is neutral and non-polar, with valine, which is neutral and non-polar, at codon 3210 of the CDH23 protein (p.Ile3210Val). This variant is not present in population databases (gnomAD no frequency). This variant has not been reported in the literature in individuals affected with CDH23-related conditions. ClinVar contains an entry for this variant (Variation ID: 1426968). Invitae Evidence Modeling of protein sequence and biophysical properties (such as structural, functional, and spatial information, amino acid conservation, physicochemical variation, residue mobility, and thermodynamic stability) has been performed for this missense variant. However, the output from this modeling did not meet the statistical confidence thresholds required to predict the impact of this variant on CDH23 protein function. In summary, the available evidence is currently insufficient to determine the role of this variant in disease. Therefore, it has been classified as a Variant of Uncertain Significance.